The following is an entry in ClinVar:

ClinVar aggregate classification (germline): Uncertain significance (1 of 4 stars; one submission).

Conditions:
Fanconi anemia (FA). Also called: Fanconi's anemia. Identifiers: Orphanet 84, MedGen C0015625, MeSH D005199, MONDO:0019391.

Allele frequency attached by ClinVar (database versions not stated): gnomAD exomes below 0.00001; gnomAD 0.00001; TOPMed below 0.00001.
gnomAD v4.1: 2 of 1,608,074 alleles (0.00012%); highest among the groups gnomAD compares: Non-Finnish European, 0.00017%; no homozygotes.

Submission:

Labcorp Genetics (formerly Invitae), Labcorp
Classification: Uncertain significance for Fanconi anemia. Last evaluated: 2022-01-04. Review status: criteria provided, single submitter. Criteria: Invitae Variant Classification Sherloc (09022015). Collection method: clinical testing. Allele origin: germline.
Comment: Variants that disrupt the consensus splice site are a relatively common cause of aberrant splicing (PMID: 17576681, 9536098). Algorithms developed to predict the effect of sequence changes on RNA splicing suggest that this variant may disrupt the consensus splice site. This variant has not been reported in the literature in individuals affected with FANCD2-related conditions. This variant is not present in population databases (gnomAD no frequency). This sequence change falls in intron 39 of the FANCD2 gene. It does not directly change the encoded amino acid sequence of the FANCD2 protein. It affects a nucleotide within the consensus splice site. In summary, the available evidence is currently insufficient to determine the role of this variant in disease. Therefore, it has been classified as a Variant of Uncertain Significance.

Literature cited by the submitters: PubMed 17576681; PubMed 9536098.

NM_001018115.3(FANCD2):c.3888+5G>A

Genes: FANCD2 (FA complementation group D2; plus strand), FANCD2OS (FANCD2 opposite strand; minus strand). Cytogenetic location: 3p25.3.
Variant type: single nucleotide variant.
Coding change: c.3888+5G>A on transcript NM_001018115.3 (MANE Select); 5 bases into the intron after coding-DNA position 3888, G replaced by A.
Molecular consequence: intron variant.
Genome position (GRCh38, 1-based): chr3:10,093,328, G>A. VCF-style: chr3-10093328-G-A. GRCh37 (hg19) VCF-style: chr3-10135012-G-A.
Other names: c.3888+5G>A (NM_001319984.2, NM_033084.6); c.3777+5G>A (NM_001374253.1); c.3850-961G>A (NM_001374254.1); c.*43+10870C>T (NM_173472.2).
Identifiers: ClinVar variation 1918681 (VCV001918681.4), dbSNP rs1694763294, ClinGen allele CA1044988034.